The following is an entry in ClinVar:

NM_000089.4(COL1A2):c.3127G>A (p.Ala1043Thr)

Gene: COL1A2 (collagen type I alpha 2 chain; plus strand). Cytogenetic location: 7q21.3.
Variant type: single nucleotide variant.
Coding change: c.3127G>A on transcript NM_000089.4 (MANE Select); coding-DNA position 3127, G replaced by A.
Protein change: p.Ala1043Thr; replaces alanine 1043 with threonine.
Molecular consequence: missense variant.
Genome position (GRCh38, 1-based): chr7:94,427,029, G>A. VCF-style: chr7-94427029-G-A. GRCh37 (hg19) VCF-style: chr7-94056341-G-A.
Other names: short protein forms A1043T.
Identifiers: ClinVar variation 2075169 (VCV002075169.5), dbSNP rs2484737317, ClinGen allele CA368225330.

ClinVar aggregate classification (germline): Conflicting classifications of pathogenicity. Review status: criteria provided, conflicting classifications (1 of 4 stars). 2 submissions from 2 submitters: Likely pathogenic (1); Uncertain significance (1). Last evaluated 2025-01-12.

Conditions:
Ehlers-Danlos syndrome, classic type, 1 (EDSCL1). Also called: EHLERS-DANLOS SYNDROME, GRAVIS TYPE; EHLERS-DANLOS SYNDROME, SEVERE CLASSIC TYPE; Ehlers-Danlos syndrome, type 1; EDS I; Ehlers-Danlos Syndrome, Classic Type, COL5A1-Related. Identifiers: MedGen C0268335, MONDO:0019567, OMIM 130000.
Osteogenesis imperfecta type I (OI1). Also called: OI, TYPE I; OSTEOGENESIS IMPERFECTA TARDA; OSTEOGENESIS IMPERFECTA WITH BLUE SCLERAE; Osteogenesis imperfecta type 1; Lobstein's Disease; Lobstein disease. Identifiers: Orphanet 216796, Orphanet 666, MedGen C0023931, MONDO:0008146, OMIM 166200. Disease mechanism: loss of function.

Submissions (2):

GeneDx
Classification: Uncertain significance. Last evaluated: 2025-01-12. Review status: criteria provided, single submitter. Criteria: GeneDx Variant Classification Process June 2021. Collection method: clinical testing. Allele origin: germline. Affected: yes.
Comment: Occurs in the triple helical domain at the X position in the canonical Gly-X-Y repeat; although this variant may have an effect on normal protein folding and function, missense substitution at the X position is not a common mechanism of disease (HGMD); Not observed at significant frequency in large population cohorts (gnomAD); In silico analysis indicates that this missense variant does not alter protein structure/function; Has not been previously published as pathogenic or benign to our knowledge

Labcorp Genetics (formerly Invitae), Labcorp
Classification: Likely pathogenic for Osteogenesis imperfecta type I; Ehlers-Danlos syndrome, classic type, 1. Last evaluated: 2022-02-23. Review status: criteria provided, single submitter. Criteria: Invitae Variant Classification Sherloc (09022015). Collection method: clinical testing. Allele origin: germline.
Comment: This variant is not present in population databases (gnomAD no frequency). In summary, the currently available evidence indicates that the variant is pathogenic, but additional data are needed to prove that conclusively. Therefore, this variant has been classified as Likely Pathogenic. Advanced modeling of protein sequence and biophysical properties (such as structural, functional, and spatial information, amino acid conservation, physicochemical variation, residue mobility, and thermodynamic stability) performed at Invitae indicates that this missense variant is not expected to disrupt COL1A2 protein function. This missense change has been observed in individual(s) with Ehlers-Danlos syndrome (Invitae). In at least one individual the variant was observed to be de novo. This sequence change replaces alanine, which is neutral and non-polar, with threonine, which is neutral and polar, at codon 1043 of the COL1A2 protein (p.Ala1043Thr).